The following is an entry in ClinVar:

NM_031443.4(CCM2):c.992T>C (p.Ile331Thr)

Gene: CCM2 (CCM2 scaffold protein; plus strand). Cytogenetic location: 7p13.
Variant type: single nucleotide variant.
Coding change: c.992T>C on transcript NM_031443.4 (MANE Select); coding-DNA position 992, T replaced by C.
Protein change: p.Ile331Thr; replaces isoleucine 331 with threonine.
Molecular consequence: missense variant. On other transcripts: non-coding transcript variant (1).
Genome position (GRCh38, 1-based): chr7:45,074,346, T>C. VCF-style: chr7-45074346-T-C. GRCh37 (hg19) VCF-style: chr7-45113945-T-C.
Other names: c.1055T>C, p.Ile352Thr (NM_001029835.2); c.818T>C, p.Ile273Thr (NM_001167934.2); c.719T>C, p.Ile240Thr (NM_001167935.2); c.1115T>C, p.Ile372Thr (NM_001363458.2); c.941T>C, p.Ile314Thr (NM_001363459.2); short protein forms I273T, I314T, I240T, I331T, I352T, I372T.
Identifiers: ClinVar variation 2749503 (VCV002749503.3), dbSNP rs1196890902, ClinGen allele CA367431356.

ClinVar aggregate classification (germline): Uncertain significance (1 of 4 stars; one submission).

Conditions:
Cerebral cavernous malformation 2. Also called: Familial Cerebral Cavernous Malformation 2. Identifiers: Orphanet 221061, MedGen C1864041, MONDO:0011304, OMIM 603284.

Allele frequency attached by ClinVar (database versions not stated): TOPMed below 0.00001.

Submission:

Labcorp Genetics (formerly Invitae), Labcorp
Classification: Uncertain significance for Cerebral cavernous malformation 2. Last evaluated: 2023-08-09. Review status: criteria provided, single submitter. Criteria: Invitae Variant Classification Sherloc (09022015). Collection method: clinical testing. Allele origin: germline.
Comment: This sequence change replaces isoleucine, which is neutral and non-polar, with threonine, which is neutral and polar, at codon 331 of the CCM2 protein (p.Ile331Thr). This variant is not present in population databases (gnomAD no frequency). This variant has not been reported in the literature in individuals affected with CCM2-related conditions. Advanced modeling of protein sequence and biophysical properties (such as structural, functional, and spatial information, amino acid conservation, physicochemical variation, residue mobility, and thermodynamic stability) performed at Invitae indicates that this missense variant is not expected to disrupt CCM2 protein function. In summary, the available evidence is currently insufficient to determine the role of this variant in disease. Therefore, it has been classified as a Variant of Uncertain Significance.